The following is an entry in ClinVar:

Conditions:
Long QT syndrome 5 (LQT5). Identifiers: Orphanet 101016, Orphanet 768, MedGen C1867904, MONDO:0013372, OMIM 613695.

gnomAD v4.1: 1 of 1,590,238 alleles (0.000063%); highest among the groups gnomAD compares: African/African-American, 0.0014%; no homozygotes.

Submission:

Roden Lab, Vanderbilt University Medical Center
No classification provided (evidence only). Condition: Long QT syndrome 5. Review status: no classification provided. Collection method: in vitro. Allele origin: not applicable. Functional consequence: Effect on ion channel function.
ClinVar note: "not provided" was previously submitted as the classification for the variant. However, the classification appeared to be based only on an observation of functional data so it was converted to no classification on 2025-07-30.

NM_000219.6(KCNE1):c.291C>T (p.Ala97=)

Gene: KCNE1 (potassium voltage-gated channel subfamily E regulatory subunit 1; minus strand). Cytogenetic location: 21q22.12.
Variant type: single nucleotide variant.
Coding change: c.291C>T on transcript NM_000219.6 (MANE Select); coding-DNA position 291, C replaced by T.
Protein change: p.Ala97=; no amino-acid change (alanine 97 retained).
Molecular consequence: synonymous variant.
Genome position (GRCh38, 1-based): chr21:34,449,344, G>A on the plus strand (C>T on the coding strand, the complement: KCNE1 is on the minus strand). VCF-style: chr21-34449344-G-A. GRCh37 (hg19) VCF-style: chr21-35821642-G-A.
Other names: c.291C>T, p.Ala97= (NM_001127668.4, NM_001127669.4, NM_001127670.4 and 4 more transcripts).
Identifiers: ClinVar variation 3374553 (VCV003374553.2).
Genomic context (GRCh38, chr21:34,449,344, plus strand): 5'-TTGTTCTATGGCCAGATGGTTTTCAACGACATAGCACGACCTGTAGCTCTCCAGGACCCG[G>A]GCCTGGACATAGGCCTTGTCCTTCTCTTGCCAGGCATCGGACTCGATGTAGACGTTGAAT-3'
Protein context (NP_000210.2, residues 87-107): WQEKDKAYVQ[Ala97=]RVLESYRSCY